The following is an entry in ClinVar:

ClinVar aggregate classification (germline): Uncertain significance (1 of 4 stars; one submission).

Conditions:
Charcot-Marie-Tooth disease axonal type 2Z. Also called: CHARCOT-MARIE-TOOTH DISEASE, AXONAL, AUTOSOMAL DOMINANT, TYPE 2Z; CHARCOT-MARIE-TOOTH NEUROPATHY, TYPE 2Z. Identifiers: Orphanet 466768, MedGen C5569025, MONDO:0014736, OMIM 616688.

Allele frequency attached by ClinVar (database versions not stated): gnomAD exomes below 0.00001; gnomAD 0.00001.
gnomAD v4.1: 7 of 1,614,004 alleles (0.00043%); highest among the groups gnomAD compares: African/African-American, 0.0013%; no homozygotes.

Submission:

Labcorp Genetics (formerly Invitae), Labcorp
Classification: Uncertain significance for Charcot-Marie-Tooth disease axonal type 2Z. Last evaluated: 2022-02-10. Review status: criteria provided, single submitter. Criteria: Invitae Variant Classification Sherloc (09022015). Collection method: clinical testing. Allele origin: germline.
Comment: This sequence change replaces arginine, which is basic and polar, with tryptophan, which is neutral and slightly polar, at codon 823 of the MORC2 protein (p.Arg823Trp). In summary, the available evidence is currently insufficient to determine the role of this variant in disease. Therefore, it has been classified as a Variant of Uncertain Significance. Advanced modeling of protein sequence and biophysical properties (such as structural, functional, and spatial information, amino acid conservation, physicochemical variation, residue mobility, and thermodynamic stability) performed at Invitae indicates that this missense variant is expected to disrupt MORC2 protein function. This variant has not been reported in the literature in individuals affected with MORC2-related conditions. This variant is not present in population databases (gnomAD no frequency).

NM_001303256.3(MORC2):c.2467C>T (p.Arg823Trp)

Gene: MORC2 (MORC family CW-type zinc finger 2; minus strand). Cytogenetic location: 22q12.2.
Variant type: single nucleotide variant.
Coding change: c.2467C>T on transcript NM_001303256.3 (MANE Select); coding-DNA position 2467, C replaced by T.
Protein change: p.Arg823Trp; replaces arginine 823 with tryptophan.
Molecular consequence: missense variant.
Genome position (GRCh38, 1-based): chr22:30,932,944, G>A on the plus strand (C>T on the coding strand, the complement: MORC2 is on the minus strand). VCF-style: chr22-30932944-G-A. GRCh37 (hg19) VCF-style: chr22-31328931-G-A.
Other names: c.2467C>T, p.Arg823Trp (NM_001303257.2); c.2281C>T, p.Arg761Trp (NM_014941.3); short protein forms R761W, R823W.
Identifiers: ClinVar variation 1502472 (VCV001502472.8), dbSNP rs2040597155, ClinGen allele CA411232300.